The following is an entry in ClinVar:

ClinVar aggregate classification (germline): Uncertain significance (1 of 4 stars; one submission).

Submission:

Labcorp Genetics (formerly Invitae), Labcorp
Classification: Uncertain significance. Last evaluated: 2025-03-17. Review status: criteria provided, single submitter. Criteria: Invitae Variant Classification Sherloc (09022015). Collection method: clinical testing. Allele origin: germline.
Comment: This sequence change replaces glutamic acid, which is acidic and polar, with aspartic acid, which is acidic and polar, at codon 89 of the NKX3-2 protein (p.Glu89Asp). This variant is not present in population databases (gnomAD no frequency). This variant has not been reported in the literature in individuals affected with NKX3-2-related conditions. ClinVar contains an entry for this variant (Variation ID: 2090782). Invitae Evidence Modeling of protein sequence and biophysical properties (such as structural, functional, and spatial information, amino acid conservation, physicochemical variation, residue mobility, and thermodynamic stability) indicates that this missense variant is not expected to disrupt NKX3-2 protein function with a negative predictive value of 80%. In summary, the available evidence is currently insufficient to determine the role of this variant in disease. Therefore, it has been classified as a Variant of Uncertain Significance.

NM_001189.4(NKX3-2):c.267A>C (p.Glu89Asp)

Gene: NKX3-2 (NK3 homeobox 2; minus strand). Cytogenetic location: 4p15.33.
Variant type: single nucleotide variant.
Coding change: c.267A>C on transcript NM_001189.4 (MANE Select); coding-DNA position 267, A replaced by C.
Protein change: p.Glu89Asp; replaces glutamic acid 89 with aspartic acid.
Molecular consequence: missense variant.
Genome position (GRCh38, 1-based): chr4:13,544,148, T>G on the plus strand (A>C on the coding strand, the complement: NKX3-2 is on the minus strand). VCF-style: chr4-13544148-T-G. GRCh37 (hg19) VCF-style: chr4-13545772-T-G.
Other names: short protein forms E89D.
Identifiers: ClinVar variation 2090782 (VCV002090782.4), dbSNP rs1718063954, ClinGen allele CA356377714.